The following is an entry in ClinVar:

NM_000497.4(CYP11B1):c.256G>C (p.Ala86Pro)

Gene: CYP11B1 (cytochrome P450 family 11 subfamily B member 1; minus strand). Cytogenetic location: 8q24.3.
Variant type: single nucleotide variant.
Coding change: c.256G>C on transcript NM_000497.4 (MANE Select); coding-DNA position 256, G replaced by C.
Protein change: p.Ala86Pro; replaces alanine 86 with proline.
Molecular consequence: missense variant.
Genome position (GRCh38, 1-based): chr8:142,879,171, C>G on the plus strand (G>C on the coding strand, the complement: CYP11B1 is on the minus strand). VCF-style: chr8-142879171-C-G. GRCh37 (hg19) VCF-style: chr8-143960587-C-G.
Other names: c.256G>C, p.Ala86Pro (NM_001026213.1); short protein forms A86P.
Identifiers: ClinVar variation 2353904 (VCV002353904.5), dbSNP rs376893751, ClinGen allele CA4905576.
Genomic context (GRCh38, chr8:142,879,171, plus strand): 5'-GGCTGTCCACCTGTTGCAGCTTCTCCACGTCCTCCGGCAGCATCACACACACCATGCCTG[C>G]TCCTCCCAAGTCGTACCTGTGGGGCCAAGCACGAGGCCGTGCTGGATGGGACCATGTCCC-3'
Protein context (NP_000488.3, residues 76-96): GPIFRYDLGG[Ala86Pro]GMVCVMLPED

ClinVar aggregate classification (germline): Uncertain significance. Review status: criteria provided, multiple submitters, no conflicts (2 of 4 stars). 3 submissions from 3 submitters: Uncertain significance (3). Last evaluated 2025-01-20.

Conditions:
Glucocorticoid-remediable aldosteronism. Also called: GLUCOCORTICOID-SUPPRESSIBLE HYPERALDOSTERONISM; ACTH-DEPENDENT HYPERALDOSTERONISM SYNDROME; ALDOSTERONISM, SENSITIVE TO DEXAMETHASONE; Hyperaldosteronism, familial, type I; FH I. Identifiers: Orphanet 403, MedGen C3838731, MONDO:0007080, OMIM 103900.
Deficiency of steroid 11-beta-monooxygenase (CYP11B1). Also called: P450C11B1 DEFICIENCY; STEROID 11-BETA-HYDROXYLASE DEFICIENCY; ADRENAL HYPERPLASIA IV; ADRENAL HYPERPLASIA, CONGENITAL, DUE TO STEROID 11-BETA-HYDROXYLASE DEFICIENCY; 11-BETA-HYDROXYLASE DEFICIENCY; Congenital adrenal hyperplasia due to 11-beta-hydroxylase deficiency. Identifiers: Orphanet 90795, MedGen C0268292, MONDO:0008729, OMIM 202010. Disease mechanism: loss of function.
Inborn genetic diseases. Identifiers: MedGen C0950123, MeSH D030342.

Allele frequency attached by ClinVar (database versions not stated): gnomAD exomes 0.00002; ExAC 0.00007; gnomAD 0.00007; TOPMed 0.00007; ESP Exome Variant Server 0.00008.
gnomAD v4.1: 45 of 1,613,808 alleles (0.0028%); highest among the groups gnomAD compares: South Asian, 0.02%; no homozygotes.

Submissions (3):

Labcorp Genetics (formerly Invitae), Labcorp
Classification: Uncertain significance. Last evaluated: 2025-01-20. Review status: criteria provided, single submitter. Criteria: Invitae Variant Classification Sherloc (09022015). Collection method: clinical testing. Allele origin: germline.
Comment: This sequence change replaces alanine, which is neutral and non-polar, with proline, which is neutral and non-polar, at codon 86 of the CYP11B1 protein (p.Ala86Pro). This variant is present in population databases (rs376893751, gnomAD 0.03%). This variant has not been reported in the literature in individuals affected with CYP11B1-related conditions. ClinVar contains an entry for this variant (Variation ID: 2353904). Invitae Evidence Modeling of protein sequence and biophysical properties (such as structural, functional, and spatial information, amino acid conservation, physicochemical variation, residue mobility, and thermodynamic stability) indicates that this missense variant is not expected to disrupt CYP11B1 protein function with a negative predictive value of 95%. In summary, the available evidence is currently insufficient to determine the role of this variant in disease. Therefore, it has been classified as a Variant of Uncertain Significance.

Ambry Genetics
Classification: Uncertain significance for Inborn genetic diseases. Last evaluated: 2024-09-03. Review status: criteria provided, single submitter. Criteria: Ambry Variant Classification Scheme 2023. Collection method: clinical testing. Allele origin: germline.

Fulgent Genetics
Classification: Uncertain significance for Glucocorticoid-remediable aldosteronism; Deficiency of steroid 11-beta-monooxygenase. Last evaluated: 2024-05-17. Review status: criteria provided, single submitter. Criteria: ACMG Guidelines, 2015. Collection method: clinical testing. Allele origin: germline.